The following is an entry in ClinVar:

NM_144999.4(LRRC45):c.80T>C (p.Leu27Pro)

Gene: LRRC45 (leucine rich repeat containing 45; plus strand). Cytogenetic location: 17q25.3.
Variant type: single nucleotide variant.
Coding change: c.80T>C on transcript NM_144999.4 (MANE Select); coding-DNA position 80, T replaced by C.
Protein change: p.Leu27Pro; replaces leucine 27 with proline.
Molecular consequence: missense variant.
Genome position (GRCh38, 1-based): chr17:82,023,723, T>C. VCF-style: chr17-82023723-T-C. GRCh37 (hg19) VCF-style: chr17-79981599-T-C.
Other names: short protein forms L27P.
Identifiers: ClinVar variation 4989152 (VCV004989152.1).

ClinVar aggregate classification (germline): Uncertain significance (1 of 4 stars; one submission).

Conditions:
LRRC45-related disorder. Also called: LRRC45-related condition.

gnomAD v4.1: 23 of 1,550,704 alleles (0.0015%); highest among the groups gnomAD compares: Non-Finnish European, 0.002%; no homozygotes.

Submission:

PreventionGenetics, part of Exact Sciences
Classification: Uncertain significance for LRRC45-related condition. Last evaluated: 2026-04-20. Review status: criteria provided, single submitter. Criteria: ACMG Guidelines, 2015. Collection method: clinical testing. Allele origin: germline.
Comment: The LRRC45 c.80T>C variant is predicted to result in the amino acid substitution p.Leu27Pro. To our knowledge, this variant has not been reported in the literature. This variant is reported in 0.0016% of alleles in individuals of European (Non-Finnish) descent in gnomAD. At this time, the clinical significance of this variant is uncertain due to the absence of conclusive functional and genetic evidence.